The following is an entry in ClinVar:

NM_002637.4(PHKA1):c.3145A>G (p.Ser1049Gly)

Gene: PHKA1 (phosphorylase kinase regulatory subunit alpha 1; minus strand). Cytogenetic location: Xq13.1.
Variant type: single nucleotide variant.
Coding change: c.3145A>G on transcript NM_002637.4 (MANE Select); coding-DNA position 3145, A replaced by G.
Protein change: p.Ser1049Gly; replaces serine 1049 with glycine.
Molecular consequence: missense variant.
Genome position (GRCh38, 1-based): chrX:72,593,202, T>C on the plus strand (A>G on the coding strand, the complement: PHKA1 is on the minus strand). VCF-style: chrX-72593202-T-C. GRCh37 (hg19) VCF-style: chrX-71813052-T-C.
Other names: c.3106A>G, p.Ser1036Gly (NM_001122670.2); c.2929A>G, p.Ser977Gly (NM_001172436.2); short protein forms S1036G, S1049G, S977G.
Identifiers: ClinVar variation 1700906 (VCV001700906.3), dbSNP rs2147660170, ClinGen allele CA413584974.

ClinVar aggregate classification (germline): Uncertain significance (1 of 4 stars; one submission).

Submission:

GeneDx
Classification: Uncertain significance. Last evaluated: 2024-06-05. Review status: criteria provided, single submitter. Criteria: GeneDx Variant Classification Process June 2021. Collection method: clinical testing. Allele origin: germline. Affected: yes.
Comment: Not observed at significant frequency in large population cohorts (gnomAD); In silico analysis indicates that this missense variant does not alter protein structure/function; Has not been previously published as pathogenic or benign to our knowledge